The following is an entry in ClinVar:

NM_001399.5(EDA):c.250_258del (p.Pro84_Thr86del)

Gene: EDA (ectodysplasin A; plus strand). Cytogenetic location: Xq13.1.
Variant type: Deletion.
Coding change: c.250_258del on transcript NM_001399.5 (MANE Select); coding-DNA positions 250 to 258, 9 bases deleted (CCTGGCACC; older notation c.250_258delCCTGGCACC).
Protein change: p.Pro84_Thr86del.
Molecular consequence: inframe deletion.
Genome position (GRCh38, 1-based): chrX:69,616,558-69,616,566, CCTGGCACC deleted; deleting any 9 consecutive bases within chrX:69,616,552-69,616,566 gives the same sequence; the c. name uses the placement nearest the transcript's 3' end. VCF-style (leftmost placement, unchanged base first): chrX-69616551-GGGCACCCCT-G. GRCh37 (hg19) VCF-style: chrX-68836395-GGGCACCCCT-G.
Other names: c.250_258del, p.Pro84_Thr86del (NM_001005609.2, NM_001005610.4, NM_001005612.3 and 1 more transcripts).
Identifiers: ClinVar variation 1168017 (VCV001168017.11), dbSNP rs763527972, ClinGen allele CA10438853.
Genomic context (GRCh38, chrX:69,616,551, plus strand): 5'-CCTAGAGTTGCGCTCGGAGTTGCGGCGGGAACGTGGAGCCGAGTCCCGCCTTGGCGGCTC[GGGCACCCCT>G]GGCACCTCTGGCACCCTAAGCAGCCTCGGTGGCCTCGACCCTGACAGCCCCATCACCAGT-3'

ClinVar aggregate classification (germline): Benign/Likely benign. Review status: criteria provided, multiple submitters, no conflicts (2 of 4 stars). 2 submissions from 2 submitters: Benign (1); Likely benign (1). Last evaluated 2025-12-14.

Conditions:
Hypohidrotic X-linked ectodermal dysplasia (XHED). Also called: ECTODERMAL DYSPLASIA, HYPOHIDROTIC, 1; CST SYNDROME; ECTODERMAL DYSPLASIA 1; Ectodermal Dysplasia 1, Anhidrotic; Christ-Siemans-Touraine syndrome; Anhidrotic ectodermal dysplasia X-linked. Identifiers: Orphanet 181, Orphanet 238468, MedGen C0162359, MONDO:0010585, OMIM 305100.

Submissions (2):

Labcorp Genetics (formerly Invitae), Labcorp
Classification: Benign for Hypohidrotic X-linked ectodermal dysplasia. Last evaluated: 2025-12-14. Review status: criteria provided, single submitter. Criteria: Invitae Variant Classification Sherloc (09022015). Collection method: clinical testing. Allele origin: germline.

GeneDx
Classification: Likely benign. Last evaluated: 2018-10-30. Review status: criteria provided, single submitter. Criteria: GeneDx Variant Classification Process June 2021. Collection method: clinical testing. Allele origin: germline. Affected: yes.
Comment: See Variant Classification Assertion Criteria.